The following is an entry in ClinVar:

NM_170699.3(GPBAR1):c.890G>A (p.Arg297Lys)

Gene: GPBAR1 (G protein-coupled bile acid receptor 1; plus strand). Cytogenetic location: 2q35.
Variant type: single nucleotide variant.
Coding change: c.890G>A on transcript NM_170699.3 (MANE Select); coding-DNA position 890, G replaced by A.
Protein change: p.Arg297Lys; replaces arginine 297 with lysine.
Molecular consequence: missense variant.
Genome position (GRCh38, 1-based): chr2:218,263,614, G>A. VCF-style: chr2-218263614-G-A. GRCh37 (hg19) VCF-style: chr2-219128337-G-A.
Other names: c.890G>A, p.Arg297Lys (NM_001077191.2, NM_001077194.2, NM_001321950.2); short protein forms R297K.
Identifiers: ClinVar variation 4986815 (VCV004986815.1).

ClinVar aggregate classification (germline): Uncertain significance (1 of 4 stars; one submission).

Conditions:
GPBAR1-related disorder. Also called: GPBAR1-related condition.

gnomAD v4.1: 28 of 1,612,792 alleles (0.0017%); highest among the groups gnomAD compares: South Asian, 0.029%; no homozygotes.

Submission:

PreventionGenetics, part of Exact Sciences
Classification: Uncertain significance for GPBAR1-related condition. Last evaluated: 2026-08-22. Review status: criteria provided, single submitter. Criteria: ACMG Guidelines, 2015. Collection method: clinical testing. Allele origin: germline.
Comment: The GPBAR1 c.890G>A variant is predicted to result in the amino acid substitution p.Arg297Lys. To our knowledge, this variant has not been reported in the literature. This variant is reported in 0.026% of alleles in individuals of South Asian descent in gnomAD. At this time, the clinical significance of this variant is uncertain due to the absence of conclusive functional and genetic evidence.